The following is an entry in ClinVar:

NM_001348716.2(KDM6B):c.4187_4189del (p.Phe1396del)

Genes: KDM6B (lysine demethylase 6B; plus strand), LOC121587574 (Sharpr-MPRA regulatory region 3930; plus strand). Cytogenetic location: 17p13.1.
Variant type: Deletion.
Coding change: c.4187_4189del on transcript NM_001348716.2 (MANE Select); coding-DNA positions 4187 to 4189, 3 bases deleted (TCT; older notation c.4187_4189delTCT).
Protein change: p.Phe1396del; deletes phenylalanine 1396.
Molecular consequence: inframe deletion.
Genome position (GRCh38, 1-based): chr17:7,851,972-7,851,974, TCT deleted; deleting any 3 consecutive bases within chr17:7,851,970-7,851,974 gives the same sequence; the c. name uses the placement nearest the transcript's 3' end. VCF-style (leftmost placement, unchanged base first): chr17-7851969-ACTT-A. GRCh37 (hg19) VCF-style: chr17-7755287-ACTT-A.
Other names: c.4187_4189del, p.Phe1396del (NM_001080424.2); c.4187_4189del (NM_001080424.1); short protein forms F1396del.
Identifiers: ClinVar variation 1704448 (VCV001704448.6), dbSNP rs2078705936, ClinGen allele CA2246015861.

ClinVar aggregate classification (germline): Pathogenic/Likely pathogenic. Review status: criteria provided, multiple submitters, no conflicts (2 of 4 stars). 5 submissions from 5 submitters: Pathogenic (2); Likely pathogenic (2). 1 of the submissions does not count toward it. Last evaluated 2026-07-31.

Conditions:
Neurodevelopmental disorder with coarse facies and mild distal skeletal abnormalities. Also called: STOLERMAN NEURODEVELOPMENTAL SYNDROME. Identifiers: MedGen C5193134, MONDO:0032790, OMIM 618505.
KDM6B-related disorder. Also called: KDM6B-related condition.

Submissions (5):

GeneDx
Classification: Pathogenic. Last evaluated: 2026-07-31. Review status: criteria provided, single submitter. Criteria: GeneDx Variant Classification Process June 2021. Collection method: clinical testing. Allele origin: germline.
Comment: Published functional studies suggest a damaging effect, likely by disrupting gene function by interfering with the JmJC domain (PMID: 37196654); Not observed at significant frequency in large population cohorts (gnomAD); In silico analysis supports a deleterious effect on protein structure/function; In-frame deletion of 1 amino acid(s) in a non-repeat region; This variant is associated with the following publications: (PMID: 31981491, 35982160, 33057194, 35982159, 31199787, 25363768, 31332282, 37196654)

Human Genetics Bochum, Ruhr University Bochum
Classification: Likely pathogenic for Neurodevelopmental disorder with coarse facies and mild distal skeletal abnormalities. Last evaluated: 2025-10-13. Review status: criteria provided, single submitter. Criteria: ACMG Guidelines, 2015. Collection method: clinical testing. Allele origin: germline. Affected: yes.
Comment: ACMG criteria used to clasify this variant: PS4_MOD, PM1, PM2_SUP, PM4_SUP

Blueprint Genetics
Classification: Pathogenic for KDM6B-related disorders. Last evaluated: 2023-06-21. Review status: criteria provided, single submitter. Criteria: ACMG Guidelines, 2015. Collection method: clinical testing. Allele origin: germline. Affected: yes. Observed: 3 variant alleles.

Clinical Genetics Service, Universitary Hospital 12 de Octubre
Classification: Likely pathogenic for Neurodevelopmental disorder with coarse facies and mild distal skeletal abnormalities. Review status: criteria provided, single submitter. Criteria: ACMG Guidelines, 2015. Collection method: clinical testing. Allele origin: germline. Affected: yes.

Joint Genome Diagnostic Labs from Nijmegen and Maastricht, Radboudumc and MUMC+
Classification: Likely pathogenic for Neurodevelopmental disorder with coarse facies and mild distal skeletal abnormalities. Last evaluated: 2022-09-09. Review status: no assertion criteria provided. Collection method: research. Allele origin: de novo. Affected: yes. Not counted in ClinVar's aggregate classification.